The following is an entry in ClinVar:

ClinVar aggregate classification (germline): Uncertain significance (1 of 4 stars; one submission).

Conditions:
Familial thoracic aortic aneurysm and aortic dissection (TAAD). Also called: Thoracic aortic aneurysms and dissections. Identifiers: Orphanet 91387, MedGen C4707243, MONDO:0019625.

Submission:

Ambry Genetics
Classification: Uncertain significance for Familial thoracic aortic aneurysm and aortic dissection. Last evaluated: 2026-07-21. Review status: criteria provided, single submitter. Criteria: Ambry Variant Classification Scheme 2023. Collection method: clinical testing. Allele origin: germline.
Comment: The p.G795D variant (also known as c.2384G>A), located in coding exon 35 of the COL5A2 gene, results from a G to A substitution at nucleotide position 2384. The glycine at codon 795 is replaced by aspartic acid, an amino acid with similar properties. This amino acid position is conserved. In addition, this alteration is predicted to be deleterious by in silico analysis. Based on the available evidence, the clinical significance of this variant remains unclear.

NM_000393.5(COL5A2):c.2384G>A (p.Gly795Asp)

Gene: COL5A2 (collagen type V alpha 2 chain; minus strand). Cytogenetic location: 2q32.2.
Variant type: single nucleotide variant.
Coding change: c.2384G>A on transcript NM_000393.5 (MANE Select); coding-DNA position 2384, G replaced by A.
Protein change: p.Gly795Asp; replaces glycine 795 with aspartic acid.
Molecular consequence: missense variant.
Genome position (GRCh38, 1-based): chr2:189,056,980, C>T on the plus strand (G>A on the coding strand, the complement: COL5A2 is on the minus strand). VCF-style: chr2-189056980-C-T. GRCh37 (hg19) VCF-style: chr2-189921706-C-T.
Other names: short protein forms G795D.
Identifiers: ClinVar variation 5034834 (VCV005034834.1).